The following is an entry in ClinVar:

NM_033028.5(BBS4):c.830G>T (p.Gly277Val)

Gene: BBS4 (Bardet-Biedl syndrome 4; plus strand). Cytogenetic location: 15q24.1.
Variant type: single nucleotide variant.
Coding change: c.830G>T on transcript NM_033028.5 (MANE Select); coding-DNA position 830, G replaced by T.
Protein change: p.Gly277Val; replaces glycine 277 with valine.
Molecular consequence: missense variant. On other transcripts: non-coding transcript variant (2).
Genome position (GRCh38, 1-based): chr15:72,731,423, G>T. VCF-style: chr15-72731423-G-T. GRCh37 (hg19) VCF-style: chr15-73023764-G-T.
Other names: c.314G>T, p.Gly105Val (NM_001252678.2); c.761G>T, p.Gly254Val (NM_001320665.2); short protein forms G277V, G105V, G254V.
Identifiers: ClinVar variation 412297 (VCV000412297.8), dbSNP rs749017489, ClinGen allele CA7646802.

ClinVar aggregate classification (germline): Likely pathogenic (1 of 4 stars; one submission).

Conditions:
Bardet-Biedl syndrome (BBS). Identifiers: Orphanet 110, MedGen C0752166, MONDO:0015229.

Allele frequency attached by ClinVar (database versions not stated): gnomAD exomes below 0.00001; TOPMed below 0.00001; ExAC 0.00001.
gnomAD v4.1: 2 of 1,614,170 alleles (0.00012%); highest among the groups gnomAD compares: Admixed American, 0.0017%; no homozygotes.

Submission:

Labcorp Genetics (formerly Invitae), Labcorp
Classification: Likely pathogenic for Bardet-Biedl syndrome. Last evaluated: 2018-06-14. Review status: criteria provided, single submitter. Criteria: Invitae Variant Classification Sherloc (09022015). Collection method: clinical testing. Allele origin: germline.
Comment: This variant has been observed in individuals with clinical features consistent with Bardet-Biedl syndrome (Invitae). It has also been observed to segregate with Bardet-Biedl syndrome in a family (Invitae). ClinVar contains an entry for this variant (Variation ID: 412297). In summary, the currently available evidence indicates that the variant is pathogenic, but additional data are needed to prove that conclusively. Therefore, this variant has been classified as Likely Pathogenic. The observation of one or more missense substitutions at this codon (p.Gly277Arg) in affected individuals suggests that this may be a clinically significant residue (PMID: 24849935). Algorithms developed to predict the effect of missense changes on protein structure and function do not agree on the potential impact of this missense change (SIFT: "Deleterious"; PolyPhen-2: "Probably Damaging"; Align-GVGD: "Class C0"). This variant is present in population databases (rs749017489, ExAC 0.009%). This sequence change replaces glycine with valine at codon 277 of the BBS4 protein (p.Gly277Val). The glycine residue is highly conserved and there is a moderate physicochemical difference between glycine and valine.

Literature cited by the submitters: PubMed 24849935.